The following is an entry in ClinVar:

NM_003183.6(ADAM17):c.1066C>T (p.Pro356Ser)

Gene: ADAM17 (ADAM metallopeptidase domain 17; minus strand). Cytogenetic location: 2p25.1.
Variant type: single nucleotide variant.
Coding change: c.1066C>T on transcript NM_003183.6 (MANE Select); coding-DNA position 1066, C replaced by T.
Protein change: p.Pro356Ser; replaces proline 356 with serine.
Molecular consequence: missense variant.
Genome position (GRCh38, 1-based): chr2:9,518,139, G>A on the plus strand (C>T on the coding strand, the complement: ADAM17 is on the minus strand). VCF-style: chr2-9518139-G-A. GRCh37 (hg19) VCF-style: chr2-9658268-G-A.
Other names: c.406C>T, p.Pro136Ser (NM_001382777.1); c.169C>T, p.Pro57Ser (NM_001382778.1); c.1066C>T (NM_003183.4); short protein forms P136S, P356S, P57S.
Identifiers: ClinVar variation 1042226 (VCV001042226.7), dbSNP rs148983888, ClinGen allele CA1523593.

ClinVar aggregate classification (germline): Uncertain significance. Review status: criteria provided, multiple submitters, no conflicts (2 of 4 stars). 2 submissions from 2 submitters: Uncertain significance (2). Last evaluated 2022-05-25.

Conditions:
Inborn genetic diseases. Identifiers: MedGen C0950123, MeSH D030342.
Inflammatory skin and bowel disease, neonatal, 1. Identifiers: Orphanet 294023, MedGen C3280501, MONDO:0013693, OMIM 614328.

Allele frequency attached by ClinVar (database versions not stated): gnomAD 0.00001; ESP Exome Variant Server 0.00008.
gnomAD v4.1: 33 of 1,600,448 alleles (0.0021%); highest among the groups gnomAD compares: Non-Finnish European, 0.0026%; no homozygotes.

Submissions (2):

Ambry Genetics
Classification: Uncertain significance for Inborn genetic diseases. Last evaluated: 2022-05-25. Review status: criteria provided, single submitter. Criteria: Ambry Variant Classification Scheme 2023. Collection method: clinical testing. Allele origin: germline.

Labcorp Genetics (formerly Invitae), Labcorp
Classification: Uncertain significance for Inflammatory skin and bowel disease, neonatal, 1. Last evaluated: 2020-03-08. Review status: criteria provided, single submitter. Criteria: Invitae Variant Classification Sherloc (09022015). Collection method: clinical testing. Allele origin: germline.
Comment: In summary, the available evidence is currently insufficient to determine the role of this variant in disease. Therefore, it has been classified as a Variant of Uncertain Significance. Algorithms developed to predict the effect of missense changes on protein structure and function are either unavailable or do not agree on the potential impact of this missense change (SIFT: "Not Available"; PolyPhen-2: "Benign"; Align-GVGD: "Not Available"). This variant has not been reported in the literature in individuals with ADAM17-related conditions. This variant is present in population databases (rs148983888, ExAC 0.003%). This sequence change replaces proline with serine at codon 356 of the ADAM17 protein (p.Pro356Ser). The proline residue is moderately conserved and there is a moderate physicochemical difference between proline and serine.